The following is an entry in ClinVar:

ClinVar aggregate classification (germline): Uncertain significance. Review status: criteria provided, multiple submitters, no conflicts (2 of 4 stars). 5 submissions from 5 submitters: Uncertain significance (5). Last evaluated 2025-12-26.

Conditions:
Brugada syndrome 8 (BRGDA8). Identifiers: Orphanet 130, MedGen C2751083, MONDO:0013148, OMIM 613123.
Sick sinus syndrome 2, autosomal dominant (SSS2). Also called: SINUS BRADYCARDIA SYNDROME, FAMILIAL, AUTOSOMAL DOMINANT; SINUS NODE DISEASE, FAMILIAL, AUTOSOMAL DOMINANT; SICK SINUS SYNDROME 2; SICK SINUS SYNDROME 2 WITH OR WITHOUT CARDIAC NONCOMPACTION AND/OR ASCENDING AORTA DILATION; ATRIAL FIBRILLATION WITH BRADYARRHYTHMIA. Identifiers: Orphanet 166282, MedGen C1834144, MONDO:0008102, OMIM 163800.
Epilepsy, idiopathic generalized, susceptibility to, 18. Identifiers: MedGen C5561983, MONDO:0030434, OMIM 619521.
Cardiovascular phenotype. Identifiers: MedGen CN230736.

Submissions (5):

GeneDx
Classification: Uncertain significance. Last evaluated: 2025-12-26. Review status: criteria provided, single submitter. Criteria: GeneDx Variant Classification Process June 2021. Collection method: clinical testing. Allele origin: germline. Affected: yes.
Comment: In-frame duplication of 6 amino acids in a non-repeat region; Has not been previously published as pathogenic or benign to our knowledge

Labcorp Genetics (formerly Invitae), Labcorp
Classification: Uncertain significance for Brugada syndrome 8. Last evaluated: 2025-12-24. Review status: criteria provided, single submitter. Criteria: Invitae Variant Classification Sherloc (09022015). Collection method: clinical testing. Allele origin: germline.
Comment: This variant, c.483_500dup, results in the insertion of 6 amino acid(s) of the HCN4 protein (p.Ala162_Pro167dup), but otherwise preserves the integrity of the reading frame. This variant is present in population databases (no rsID available, gnomAD 0.009%). This variant has not been reported in the literature in individuals affected with HCN4-related conditions. ClinVar contains an entry for this variant (Variation ID: 969148). Experimental studies and prediction algorithms are not available or were not evaluated, and the functional significance of this variant is currently unknown. In summary, the available evidence is currently insufficient to determine the role of this variant in disease. Therefore, it has been classified as a Variant of Uncertain Significance.

Molecular Diagnostic Laboratory for Inherited Cardiovascular Disease, Montreal Heart Institute
Classification: Uncertain significance for Cardiovascular phenotype. Last evaluated: 2025-04-09. Review status: criteria provided, single submitter. Criteria: ACMG Guidelines, 2015. Collection method: clinical testing. Allele origin: germline. Affected: yes.
Comment: PM2,PM4_supp

Ambry Genetics
Classification: Uncertain significance for Cardiovascular phenotype. Last evaluated: 2024-06-18. Review status: criteria provided, single submitter. Criteria: Ambry Variant Classification Scheme 2023. Collection method: clinical testing. Allele origin: germline.
Comment: The c.483_500dup18 variant (also known as p.A162_P167dup) is located in coding exon 1 of the HCN4 gene. This variant results from an in-frame duplication of 18 nucleotides at positions 483 to 500. This results in the duplication of 6 amino acid residues (alanine, alanine, serine, proline, proline, proline) between codons 162 and 167. These amino acid positions are not well conserved in available vertebrate species. This alteration is predicted to be neutral by in silico analysis (Choi Y et al., PLoS ONE. 2012; 7(10):e46688). Since supporting evidence is limited at this time, the clinical significance of this alteration remains unclear.

Fulgent Genetics
Classification: Uncertain significance for Sick sinus syndrome 2, autosomal dominant; Brugada syndrome 8; Epilepsy, idiopathic generalized, susceptibility to, 18. Last evaluated: 2021-10-26. Review status: criteria provided, single submitter. Criteria: ACMG Guidelines, 2015. Collection method: clinical testing. Allele origin: unknown.

NM_005477.3(HCN4):c.483_500dup (p.Ala162_Pro167dup)

Gene: HCN4 (hyperpolarization activated cyclic nucleotide gated potassium channel 4; minus strand). Cytogenetic location: 15q24.1.
Variant type: Duplication.
Coding change: c.483_500dup on transcript NM_005477.3 (MANE Select); coding-DNA positions 483 to 500, 18 bases duplicated (CGCAGCCTCGCCGCCGCC).
Protein change: p.Ala162_Pro167dup.
Molecular consequence: inframe insertion.
Genome position (GRCh38, 1-based): chr15:73,367,771-73,367,788, GGCGGCGGCGAGGCTGCG duplicated on the plus strand (CGCAGCCTCGCCGCCGCC on the coding strand, the reverse complement: HCN4 is on the minus strand); duplicating any 18 consecutive bases within chr15:73,367,771-73,367,791 gives the same sequence; the c. name uses the placement nearest the transcript's 3' end. VCF-style (leftmost placement, unchanged base first): chr15-73367770-C-CGGCGGCGGCGAGGCTGCG. GRCh37 (hg19) VCF-style: chr15-73660111-C-CGGCGGCGGCGAGGCTGCG.
Other names: c.483_500dupCGCAGCCTCGCCGCCGCC (NM_005477.2).
Identifiers: ClinVar variation 969148 (VCV000969148.17), dbSNP rs957058060, ClinGen allele CA272700301.